The following is an entry in ClinVar:

ClinVar aggregate classification (germline): Pathogenic (1 of 4 stars; one submission).

Conditions:
Hypotonia, infantile, with psychomotor retardation and characteristic facies 2 (IHPRF2). Also called: UNC80 Deficiency. Identifiers: Orphanet 371364, Orphanet 700333, MedGen C4225203, MONDO:0014777, OMIM 616801.

Allele frequency attached by ClinVar (database versions not stated): gnomAD exomes below 0.00001.
gnomAD v4.1: 1 of 1,552,130 alleles (0.000064%); highest among the groups gnomAD compares: Non-Finnish European, 0.000087%; no homozygotes.

Submission:

Victorian Clinical Genetics Services, Murdoch Childrens Research Institute
Classification: Pathogenic for Hypotonia, infantile, with psychomotor retardation and characteristic facies 2. Last evaluated: 2022-06-24. Review status: criteria provided, single submitter. Criteria: ACMG Guidelines, 2015. Collection method: clinical testing. Allele origin: germline. Inheritance: Autosomal recessive inheritance.
Comment: Based on the classification scheme VCGS_Germline_v1.3.4, this variant is classified as pathogenic. The following criteria are met: 0102 - Loss of function is a known mechanism of disease in this gene and is associated with infantile hypotonia with psychomotor retardation and characteristic facies 2 (MIM#616801). (I) 0106 - This gene is associated with autosomal recessive disease. (I) 0201 - Variant is predicted to cause nonsense-mediated decay (NMD) and loss of protein (premature termination codon is located at least 54 nucleotides upstream of the final exon-exon junction). (SP) 0251 - This variant is heterozygous. (I) 0301 - Variant is absent from gnomAD (both v2 and v3). (SP) 0807 - This variant has no previous evidence of pathogenicity. (I) 0905 - No published segregation evidence has been identified for this variant. (I) 1007 - No published functional evidence has been identified for this variant. (I) 0701 - Other NMD predicted variants comparable to the one identified in this case have very strong previous evidence for pathogenicity (ClinVar). (SP) Legend: (SP) - Supporting pathogenic, (I) - Information, (SB) - Supporting benign

NM_001371986.1(UNC80):c.6976C>T (p.Gln2326Ter)

Gene: UNC80 (unc-80 subunit of NALCN channel complex; plus strand). Cytogenetic location: 2q34.
Variant type: single nucleotide variant.
Coding change: c.6976C>T on transcript NM_001371986.1 (MANE Select); coding-DNA position 6976, C replaced by T.
Protein change: p.Gln2326Ter; replaces glutamine 2326 with a stop codon.
Molecular consequence: nonsense.
Genome position (GRCh38, 1-based): chr2:209,943,440, C>T. VCF-style: chr2-209943440-C-T. GRCh37 (hg19) VCF-style: chr2-210808164-C-T.
Other names: c.6778C>T, p.Gln2260Ter (NM_032504.2); c.6763C>T, p.Gln2255Ter (NM_182587.4); short protein forms Q2255*, Q2260*, Q2326*.
Identifiers: ClinVar variation 1699471 (VCV001699471.3), dbSNP rs2124981606, ClinGen allele CA350773480.
Genomic context (GRCh38, chr2:209,943,440, plus strand): 5'-GTGTACTCCGACTATGAAAGCAATCCCCAGCTGCGTCAAGCCATCGAATTTGCCTGTCAC[C>T]AGTTCTATATTCTACACCGGAAGCCCTTTGTGCTCCAGCTGTTTGCTAGTGTGGCCCCTC-3'